The following continues an entry in ClinVar:

NM_014714.4(IFT140):c.1565G>A (p.Gly522Glu)

Gene: IFT140. ClinVar aggregate classification (germline): Conflicting classifications of pathogenicity. Pathogenic (7); Likely pathogenic (6); Uncertain significance (1).

Submissions 11 to 17 of 17:

Institute of Medical Genetics and Applied Genomics, University Hospital Tübingen
Classification: Pathogenic. Last evaluated: 2020-10-23. Review status: criteria provided, single submitter. Criteria: ACMG Guidelines, 2015. Collection method: clinical testing. Allele origin: germline. Inheritance: Unknown mechanism. Affected: yes.

Institute of Human Genetics Munich, TUM University Hospital
Classification: Pathogenic for Saldino-Mainzer syndrome. Last evaluated: 2019-02-27. Review status: criteria provided, single submitter. Criteria: Classification criteria August 2017. Collection method: clinical testing. Allele origin: maternal. Inheritance: Autosomal recessive inheritance. Affected: yes. Observed: 1 compound heterozygote.

Broad Center for Mendelian Genomics, Broad Institute of MIT and Harvard
Classification: Uncertain significance for Saldino-Mainzer syndrome. Last evaluated: 2018-12-03. Review status: criteria provided, single submitter. Criteria: ACMG Guidelines, 2015. Collection method: research. Allele origin: germline. Inheritance: Autosomal recessive inheritance. Affected: yes.
Comment: This variant has been seen in 0.02684% (34/126700) of European (non-Finnish) chromosomes and 0.01970% (2/10150) of Ashkenazi Jewish chromosomes by the Genome Aggregation Database (gnomAD; dbSNP rs199826737). Although this variant has been seen in the general population, its frequency is low enough to be consistent with a recessive carrier frequency. Computational prediction tools and conservation analyses suggest that this variant may impact the protein, though this information is not predictive enough to determine pathogenicity. This variant has been reported in the compound heterozygous state in four individuals (including two Serbians) with IFT140-associated diseases (PMID: 29688594). The presence of this variant in combination with reported pathogenic and likely pathogenic variants and in an individual with Short-Rib Thoracic Dysplasia with or without Polydactyly increases the likelihood that the p.Gly522Glu variant is pathogenic. In summary, while there is some suspicion for a pathogenic role, the clinical significance of this variant is uncertain. ACMG/AMP Criteria applied: PM2, PP3, PM3 (Richards 2015).

Laboratory of Medical Genetics (UMR_S 1112), INSERM/Strasbourg University
Classification: Pathogenic for Renal dysplasia, retinal pigmentary dystrophy, cerebellar ataxia and skeletal dysplasia. Last evaluated: 2018-01-01. Review status: criteria provided, single submitter. Criteria: Geoffroy et al. (Hum Mutat. 2018). Collection method: research. Allele origin: inherited. Inheritance: Autosomal recessive inheritance. Affected: yes. Observed: 1 variant allele, 1 compound heterozygote.

OMIM
Classification: Pathogenic for SHORT-RIB THORACIC DYSPLASIA 9 WITHOUT POLYDACTYLY. Last evaluated: 2013-05-01. Review status: no assertion criteria provided. Collection method: literature only. Allele origin: germline. Not counted in ClinVar's aggregate classification.

OMIM
Classification: Pathogenic for CRANIOECTODERMAL DYSPLASIA 5. Last evaluated: 2013-05-01. Review status: no assertion criteria provided. Collection method: literature only. Allele origin: germline. Not counted in ClinVar's aggregate classification.

Genomics England Pilot Project, Genomics England
Classification: Likely pathogenic for Retinitis pigmentosa 80. Review status: no assertion criteria provided. Criteria: ACGS Guidelines, 2016. Collection method: clinical testing. Allele origin: germline. Affected: yes. Not counted in ClinVar's aggregate classification.

Literature cited by the submitters: PubMed 23418020 (cited by 5 submitters); PubMed 26766544 (cited by Labcorp Genetics (formerly Invitae), Labcorp); PubMed 29688594 (cited by 4 submitters); PubMed 32007091 (cited by 3 submitters); PubMed 34596737 (cited by Victorian Clinical Genetics Services, Murdoch Childrens Research Institute); PubMed 34890546 (cited by 3 submitters); PubMed 32531858 (cited by Women's Health and Genetics/Laboratory Corporation of America, LabCorp and Institute of Human Genetics, Univ. Regensburg, Univ. Regensburg); PubMed 30479745 (cited by Women's Health and Genetics/Laboratory Corporation of America, LabCorp); PubMed 22503633 (cited by Women's Health and Genetics/Laboratory Corporation of America, LabCorp and Institute of Human Genetics, Univ. Regensburg, Univ. Regensburg); PubMed 31964843 (cited by Institute of Human Genetics, Univ. Regensburg, Univ. Regensburg); PubMed 34758253 (cited by Institute of Human Genetics, Univ. Regensburg, Univ. Regensburg); PubMed 37628605 (cited by OMIM).